The following is an entry in ClinVar:

ClinVar aggregate classification (germline): Likely benign. Review status: criteria provided, multiple submitters, no conflicts (2 of 4 stars). 2 submissions from 2 submitters: Likely benign (2). Last evaluated 2025-09-15.

Allele frequency attached by ClinVar (database versions not stated): gnomAD 0.00239 and 0.00252; TOPMed 0.00288; gnomAD exomes 0.00050; ExAC 0.00069; 1000 Genomes Project 0.00260; ESP Exome Variant Server 0.00175; 1000 Genomes Project 30x 0.00234.
gnomAD v4.1: 676 of 1,497,650 alleles (0.045%); highest among the groups gnomAD compares: African/African-American, 0.79%; 3 homozygotes.

Submissions (2):

Mayo Clinic Laboratories, Mayo Clinic
Classification: Likely benign. Last evaluated: 2025-09-15. Review status: criteria provided, single submitter. Criteria: ACMG Guidelines, 2015. Collection method: clinical testing. Allele origin: germline. Observed: 1 variant allele.
Comment: BS1, BP4, BP7

GeneDx
Classification: Likely benign. Last evaluated: 2020-10-14. Review status: criteria provided, single submitter. Criteria: GeneDx Variant Classification Process June 2021. Collection method: clinical testing. Allele origin: germline. Affected: yes.

NM_001379210.1(SLC25A26):c.190+10T>C

Gene: SLC25A26 (solute carrier family 25 member 26; plus strand). Cytogenetic location: 3p14.1.
Variant type: single nucleotide variant.
Coding change: c.190+10T>C on transcript NM_001379210.1 (MANE Select); 10 bases into the intron after coding-DNA position 190, T replaced by C.
Molecular consequence: intron variant.
Genome position (GRCh38, 1-based): chr3:66,236,710, T>C. VCF-style: chr3-66236710-T-C. GRCh37 (hg19) VCF-style: chr3-66287134-T-C.
Other names: p.?; c.190+10T>C (NM_173471.3, NM_173471.4); c.-75+10T>C (NM_001350993.1); c.-74-6493T>C (NM_001164796.1).
Identifiers: ClinVar variation 1316753 (VCV001316753.3), dbSNP rs148761079, ClinGen allele CA2483611.
Genomic context (GRCh38, chr3:66,236,710, plus strand): 5'-ATGGAATATATGCTGGCGTTCCTTCTGCTGCTATTGGATCCTTTCCTAATGGTAAAAAAT[T>C]ATATTCTCACTTCTGTAAAGCCAAGATAAGATGGGATTTTCAGAATGGTGTGTGGTCTTA-3'